The following is an entry in ClinVar:

NM_001232.4(CASQ2):c.835C>T (p.Pro279Ser)

Gene: CASQ2 (calsequestrin 2; minus strand). Cytogenetic location: 1p13.1.
Variant type: single nucleotide variant.
Coding change: c.835C>T on transcript NM_001232.4 (MANE Select); coding-DNA position 835, C replaced by T.
Protein change: p.Pro279Ser; replaces proline 279 with serine.
Molecular consequence: missense variant.
Genome position (GRCh38, 1-based): chr1:115,717,843, G>A on the plus strand (C>T on the coding strand, the complement: CASQ2 is on the minus strand). VCF-style: chr1-115717843-G-A. GRCh37 (hg19) VCF-style: chr1-116260464-G-A.
Other names: short protein forms P279S.
Identifiers: ClinVar variation 5033688 (VCV005033688.1).

ClinVar aggregate classification (germline): Uncertain significance (1 of 4 stars; one submission).

Conditions:
Cardiovascular phenotype. Identifiers: MedGen CN230736.

gnomAD v4.1: 1 of 1,607,868 alleles (0.000062%); highest among the groups gnomAD compares: Non-Finnish European, 0.000085%; no homozygotes.

Submission:

Ambry Genetics
Classification: Uncertain significance for Cardiovascular phenotype. Last evaluated: 2026-08-03. Review status: criteria provided, single submitter. Criteria: Ambry Variant Classification Scheme 2023. Collection method: clinical testing. Allele origin: germline.
Comment: The p.P279S variant (also known as c.835C>T), located in coding exon 8 of the CASQ2 gene, results from a C to T substitution at nucleotide position 835. The proline at codon 279 is replaced by serine, an amino acid with similar properties. This amino acid position is conserved. In addition, the in silico prediction for this alteration is inconclusive. Based on the available evidence, the clinical significance of this variant remains unclear.